The following is an entry in ClinVar:

NM_000426.4(LAMA2):c.2493del (p.Cys832fs)

Gene: LAMA2 (laminin subunit alpha 2; plus strand). Cytogenetic location: 6q22.33.
Variant type: Deletion.
Coding change: c.2493del on transcript NM_000426.4 (MANE Select); coding-DNA position 2493, one base deleted (C; older notation c.2493delC).
Protein change: p.Cys832fs; shifts the reading frame from cysteine 832.
Molecular consequence: frameshift variant.
Genome position (GRCh38, 1-based): chr6:129,280,103, C deleted. VCF-style (leftmost placement, unchanged base first): chr6-129280102-TC-T. GRCh37 (hg19) VCF-style: chr6-129601247-TC-T.
Other names: c.2493del, p.Cys832fs (NM_001079823.2); short protein forms C832fs.
Identifiers: ClinVar variation 5014687 (VCV005014687.1).

ClinVar aggregate classification (germline): Pathogenic (1 of 4 stars; one submission).

Conditions:
LAMA2-related muscular dystrophy (LAMA2-RD). Also called: Laminin alpha 2-related dystrophy. Identifiers: MedGen C5679788, MONDO:0100228.

Submission:

Myriad Genetics, Inc.
Classification: Pathogenic for LAMA2-related muscular dystrophy. Last evaluated: 2025-07-05. Review status: criteria provided, single submitter. Criteria: Myriad Autosomal Dominant, Autosomal Recessive and X-Linked Classification Criteria (2023). Collection method: clinical testing. Allele origin: unknown.
Comment: NM_000426.3(LAMA2):c.2493delC(C832Vfs*56) is expected to be pathogenic in the context of muscular dystrophy, LAMA2-related. This variant is predicted to lead to an abnormal or absent protein product due to the creation of a premature termination codon in LAMA2, a gene where loss-of-function variants are known to be pathogenic. Please note: this variant was assessed in the context of healthy population screening.